The following is an entry in ClinVar:

ClinVar aggregate classification (germline): Uncertain significance (1 of 4 stars; one submission).

Conditions:
Cardiovascular phenotype. Identifiers: MedGen CN230736.

gnomAD v4.1: 11 of 1,613,416 alleles (0.00068%); highest among the groups gnomAD compares: South Asian, 0.012%; no homozygotes.

Submission:

Ambry Genetics
Classification: Uncertain significance for Cardiovascular phenotype. Last evaluated: 2026-09-01. Review status: criteria provided, single submitter. Criteria: Ambry Variant Classification Scheme 2023. Collection method: clinical testing. Allele origin: germline.
Comment: The c.702G>A variant (also known as p.L234L), located in coding exon 6 of the TRPM4 gene, results from a G to A substitution at nucleotide position 702. This nucleotide substitution does not change the amino acid at codon 234. This nucleotide position is well conserved in available vertebrate species. In silico splice site analysis predicts that this alteration may result in the creation or strengthening of a novel splice acceptor site. Based on the available evidence, the clinical significance of this variant remains unclear.

NM_017636.4(TRPM4):c.702G>A (p.Leu234=)

Gene: TRPM4 (transient receptor potential cation channel subfamily M member 4; plus strand). Cytogenetic location: 19q13.33.
Variant type: single nucleotide variant.
Coding change: c.702G>A on transcript NM_017636.4 (MANE Select); coding-DNA position 702, G replaced by A.
Protein change: p.Leu234=; no amino-acid change (leucine 234 retained).
Molecular consequence: synonymous variant. On other transcripts: 5 prime UTR variant (2).
Genome position (GRCh38, 1-based): chr19:49,168,642, G>A. VCF-style: chr19-49168642-G-A. GRCh37 (hg19) VCF-style: chr19-49671899-G-A.
Other names: c.702G>A, p.Leu234= (NM_001195227.2); c.357G>A, p.Leu119= (NM_001321281.2); c.-852G>A (NM_001321282.2); c.180G>A, p.Leu60= (NM_001321283.2); c.-148G>A (NM_001321285.2).
Identifiers: ClinVar variation 5031156 (VCV005031156.1).